The following is an entry in ClinVar:

ClinVar aggregate classification (germline): Uncertain significance. Review status: criteria provided, multiple submitters, no conflicts (2 of 4 stars). 2 submissions from 2 submitters: Uncertain significance (2). Last evaluated 2024-10-03.

Allele frequency attached by ClinVar (database versions not stated): gnomAD exomes below 0.00001; gnomAD 0.00001.
gnomAD v4.1: 6 of 1,613,996 alleles (0.00037%); highest among the groups gnomAD compares: South Asian, 0.0022%; no homozygotes.

Submissions (2):

Greenwood Genetic Center Diagnostic Laboratories, Greenwood Genetic Center
Classification: Uncertain significance. Last evaluated: 2024-10-03. Review status: criteria provided, single submitter. Criteria: ACMG Guidelines, 2015. Collection method: clinical testing. Allele origin: germline. Affected: yes.
Comment: PM2, BP4

Genetic Services Laboratory, University of Chicago
Classification: Uncertain significance. Last evaluated: 2016-07-20. Review status: criteria provided, single submitter. Criteria: ACMG Guidelines, 2015. Collection method: clinical testing. Allele origin: germline. Affected: no.

NM_020987.5(ANK3):c.9740A>G (p.Asn3247Ser)

Gene: ANK3 (ankyrin 3; minus strand). Cytogenetic location: 10q21.2.
Variant type: single nucleotide variant.
Coding change: c.9740A>G on transcript NM_020987.5 (MANE Select); coding-DNA position 9740, A replaced by G.
Protein change: p.Asn3247Ser; replaces asparagine 3247 with serine.
Molecular consequence: missense variant. On other transcripts: intron variant (4).
Genome position (GRCh38, 1-based): chr10:60,071,141, T>C on the plus strand (A>G on the coding strand, the complement: ANK3 is on the minus strand). VCF-style: chr10-60071141-T-C. GRCh37 (hg19) VCF-style: chr10-61830899-T-C.
Other names: c.4388-3132A>G (NM_001204403.2); c.4409-3132A>G (NM_001204404.2); c.4406-3132A>G (NM_001320874.2); c.1808-3132A>G (NM_001149.4); short protein forms N3247S.
Identifiers: ClinVar variation 434158 (VCV000434158.7), dbSNP rs956407567, ClinGen allele CA207324284.